The following is an entry in ClinVar:

ClinVar aggregate classification (germline): Conflicting classifications of pathogenicity. Review status: criteria provided, conflicting classifications (1 of 4 stars). 6 submissions from 6 submitters: Uncertain significance (1); Benign (1); Likely benign (2). 2 of the submissions do not count toward it. Last evaluated 2026-01-26.

Conditions:
CIITA-related disorder. Also called: CIITA-related condition.
MHC class II deficiency. Also called: Bare lymphocyte syndrome 2; BLS, TYPE II. Identifiers: Orphanet 572, MedGen C5447452, MONDO:0008855.

Allele frequency attached by ClinVar (database versions not stated): gnomAD 0.00035; ExAC 0.00037; TOPMed 0.00046; ESP Exome Variant Server 0.00085; 1000 Genomes Project 30x 0.00109; 1000 Genomes Project 0.00120.
gnomAD v4.1: 244 of 1,614,014 alleles (0.015%); highest among the groups gnomAD compares: African/African-American, 0.16%; no homozygotes.

Submissions (6):

Labcorp Genetics (formerly Invitae), Labcorp
Classification: Benign for MHC class II deficiency. Last evaluated: 2026-01-26. Review status: criteria provided, single submitter. Criteria: Invitae Variant Classification Sherloc (09022015). Collection method: clinical testing. Allele origin: germline.

Women's Health and Genetics/Laboratory Corporation of America, LabCorp
Classification: Likely benign. Last evaluated: 2026-01-22. Review status: criteria provided, single submitter. Criteria: LabCorp Variant Classification Summary - May 2015. Collection method: clinical testing. Allele origin: germline.

Blueprint Genetics
Classification: Likely benign. Last evaluated: 2024-09-27. Review status: criteria provided, single submitter. Criteria: ACMG Guidelines, 2015. Collection method: clinical testing. Allele origin: germline.

Illumina Laboratory Services, Illumina
Classification: Uncertain significance for MHC class II deficiency 1. Last evaluated: 2018-01-13. Review status: criteria provided, single submitter. Criteria: ICSL Variant Classification Criteria 13 December 2019. Collection method: clinical testing. Allele origin: germline.

Natera, Inc.
Classification: Likely benign for Bare lymphocyte syndrome type II. Last evaluated: 2019-10-24. Review status: no assertion criteria provided. Collection method: clinical testing. Allele origin: germline. Not counted in ClinVar's aggregate classification.

PreventionGenetics, part of Exact Sciences
Classification: Likely benign for CIITA-related condition. Last evaluated: 2019-05-13. Review status: no assertion criteria provided. Collection method: clinical testing. Allele origin: germline. Not counted in ClinVar's aggregate classification.
Comment: This variant is classified as likely benign based on ACMG/AMP sequence variant interpretation guidelines (Richards et al. 2015 PMID: 25741868, with internal and published modifications).

NM_000246.4(CIITA):c.456G>A (p.Pro152=)

Gene: CIITA (class II major histocompatibility complex transactivator; plus strand). Cytogenetic location: 16p13.13.
Variant type: single nucleotide variant.
Coding change: c.456G>A on transcript NM_000246.4 (MANE Select); coding-DNA position 456, G replaced by A.
Protein change: p.Pro152=; no amino-acid change (proline 152 retained).
Molecular consequence: synonymous variant. On other transcripts: non-coding transcript variant (1).
Genome position (GRCh38, 1-based): chr16:10,901,533, G>A. VCF-style: chr16-10901533-G-A. GRCh37 (hg19) VCF-style: chr16-10995390-G-A.
Other names: c.459G>A, p.Pro153= (NM_001286402.1, NM_001379330.1, NM_001379332.1); c.456G>A, p.Pro152= (NM_001286403.2, NM_001379331.1, NM_001379333.1); c.387G>A, p.Pro129= (NM_001379334.1).
Identifiers: ClinVar variation 317680 (VCV000317680.24), dbSNP rs151317882, ClinGen allele CA7899733.